The following is an entry in ClinVar:

NM_001287.6(CLCN7):c.1797+4C>G

Gene: CLCN7 (chloride voltage-gated channel 7; minus strand). Cytogenetic location: 16p13.3.
Variant type: single nucleotide variant.
Coding change: c.1797+4C>G on transcript NM_001287.6 (MANE Select); 4 bases into the intron after coding-DNA position 1797, C replaced by G.
Molecular consequence: intron variant.
Genome position (GRCh38, 1-based): chr16:1,448,962, G>C on the plus strand (C>G on the coding strand, the complement: CLCN7 is on the minus strand). VCF-style: chr16-1448962-G-C. GRCh37 (hg19) VCF-style: chr16-1498963-G-C.
Other names: c.1725+4C>G (NM_001114331.3).
Identifiers: ClinVar variation 2019699 (VCV002019699.4), dbSNP rs200682842, ClinGen allele CA7810079.

ClinVar aggregate classification (germline): Uncertain significance (1 of 4 stars; one submission).

Allele frequency attached by ClinVar (database versions not stated): 1000 Genomes Project 30x 0.00016; 1000 Genomes Project 0.00020.
gnomAD v4.1: 11 of 1,612,298 alleles (0.00068%); highest among the groups gnomAD compares: Admixed American, 0.012%; no homozygotes.

Submission:

Labcorp Genetics (formerly Invitae), Labcorp
Classification: Uncertain significance. Last evaluated: 2024-11-05. Review status: criteria provided, single submitter. Criteria: Invitae Variant Classification Sherloc (09022015). Collection method: clinical testing. Allele origin: germline.
Comment: This sequence change falls in intron 19 of the CLCN7 gene. It does not directly change the encoded amino acid sequence of the CLCN7 protein. It affects a nucleotide within the consensus splice site. This variant is present in population databases (rs200682842, gnomAD 0.01%). This variant has not been reported in the literature in individuals affected with CLCN7-related conditions. ClinVar contains an entry for this variant (Variation ID: 2019699). Variants that disrupt the consensus splice site are a relatively common cause of aberrant splicing (PMID: 17576681, 9536098). Algorithms developed to predict the effect of sequence changes on RNA splicing suggest that this variant is not likely to affect RNA splicing. In summary, the available evidence is currently insufficient to determine the role of this variant in disease. Therefore, it has been classified as a Variant of Uncertain Significance.

Literature cited by the submitters: PubMed 17576681; PubMed 9536098.